The following is an entry in ClinVar:

NM_000271.5(NPC1):c.2812G>A (p.Ala938Thr)

Gene: NPC1 (NPC intracellular cholesterol transporter 1; minus strand). Cytogenetic location: 18q11.2.
Variant type: single nucleotide variant.
Coding change: c.2812G>A on transcript NM_000271.5 (MANE Select); coding-DNA position 2812, G replaced by A.
Protein change: p.Ala938Thr; replaces alanine 938 with threonine.
Molecular consequence: missense variant.
Genome position (GRCh38, 1-based): chr18:23,539,454, C>T on the plus strand (G>A on the coding strand, the complement: NPC1 is on the minus strand). VCF-style: chr18-23539454-C-T. GRCh37 (hg19) VCF-style: chr18-21119418-C-T.
Other names: short protein forms A938T.
Identifiers: ClinVar variation 2083193 (VCV002083193.1), dbSNP rs773677561, ClinGen allele CA8912950.

ClinVar aggregate classification (germline): Uncertain significance (1 of 4 stars; one submission).

Conditions:
Niemann-Pick disease, type C1. Also called: NIEMANN-PICK DISEASE, VARIANT TYPE C1; NEUROVISCERAL STORAGE DISEASE WITH VERTICAL SUPRANUCLEAR OPHTHALMOPLEGIA; NIEMANN-PICK DISEASE WITH CHOLESTEROL ESTERIFICATION BLOCK; NIEMANN-PICK DISEASE WITHOUT SPHINGOMYELINASE DEFICIENCY; NIEMANN-PICK DISEASE, CHRONIC NEURONOPATHIC FORM. Identifiers: Orphanet 646, MedGen C3179455, MONDO:0009757, OMIM 257220.

Allele frequency attached by ClinVar (database versions not stated): gnomAD exomes 0.00002; TOPMed 0.00003; ExAC 0.00004; gnomAD 0.00005.
gnomAD v4.1: 41 of 1,612,720 alleles (0.0025%); highest among the groups gnomAD compares: Admixed American, 0.015%; no homozygotes.

Submission:

Labcorp Genetics (formerly Invitae), Labcorp
Classification: Uncertain significance for Niemann-Pick disease, type C1. Last evaluated: 2022-06-21. Review status: criteria provided, single submitter. Criteria: Invitae Variant Classification Sherloc (09022015). Collection method: clinical testing. Allele origin: germline.
Comment: This sequence change replaces alanine, which is neutral and non-polar, with threonine, which is neutral and polar, at codon 938 of the NPC1 protein (p.Ala938Thr). This variant is present in population databases (rs773677561, gnomAD 0.02%). This variant has not been reported in the literature in individuals affected with NPC1-related conditions. Advanced modeling of protein sequence and biophysical properties (such as structural, functional, and spatial information, amino acid conservation, physicochemical variation, residue mobility, and thermodynamic stability) performed at Invitae indicates that this missense variant is not expected to disrupt NPC1 protein function. In summary, the available evidence is currently insufficient to determine the role of this variant in disease. Therefore, it has been classified as a Variant of Uncertain Significance.